The following is an entry in ClinVar:

NM_020631.4(PLEKHG5):c.*1313C>T

Gene: PLEKHG5 (pleckstrin homology and RhoGEF domain containing G5; minus strand). Cytogenetic location: 1p36.31.
Variant type: single nucleotide variant.
Coding change: c.*1313C>T on transcript NM_020631.4; 1313 bases downstream of the stop codon, C replaced by T.
Genome position (GRCh38, 1-based): chr1:6,466,250, G>A on the plus strand (C>T on the coding strand, the complement: PLEKHG5 is on the minus strand). VCF-style: chr1-6466250-G-A. GRCh37 (hg19) VCF-style: chr1-6526310-G-A.
Identifiers: ClinVar variation 297909 (VCV000297909.7), dbSNP rs45574533, ClinGen allele CA10610640.

ClinVar aggregate classification (germline): Benign (1 of 4 stars; one submission).

Conditions:
Neuronopathy, distal hereditary motor, autosomal recessive 4. Also called: Autosomal recessive lower motor neuron disease with childhood onset; NEUROPATHY, DISTAL HEREDITARY MOTOR, AUTOSOMAL RECESSIVE 4. Identifiers: Orphanet 206580, MedGen C1970211, MONDO:0012608, OMIM 611067.

Allele frequency attached by ClinVar (database versions not stated): TOPMed 0.01351; 1000 Genomes Project 30x 0.01265; gnomAD 0.01298 and 0.01380; 1000 Genomes Project 0.01258.

Submission:

Illumina Laboratory Services, Illumina
Classification: Benign for Neuronopathy, distal hereditary motor, autosomal recessive 4. Last evaluated: 2018-01-13. Review status: criteria provided, single submitter. Criteria: ICSL Variant Classification Criteria 13 December 2019. Collection method: clinical testing. Allele origin: germline.
Comment: This variant was observed in the ICSL laboratory as part of a predisposition screen in an ostensibly healthy population. It had not been previously curated by ICSL or reported in the Human Gene Mutation Database (HGMD: prior to June 1st, 2018), and was therefore a candidate for classification through an automated scoring system. Utilizing variant allele frequency, disease prevalence and penetrance estimates, and inheritance mode, an automated score was calculated to assess if this variant is too frequent to cause the disease. Based on the score and internal cut-off values, a variant classified as benign is not then subjected to further curation. The score for this variant resulted in a classification of benign for this disease.